The following is an entry in ClinVar:

ClinVar aggregate classification (germline): Pathogenic (1 of 4 stars; one submission).

Submission:

Labcorp Genetics (formerly Invitae), Labcorp
Classification: Pathogenic. Last evaluated: 2022-05-04. Review status: criteria provided, single submitter. Criteria: Invitae Variant Classification Sherloc (09022015). Collection method: clinical testing. Allele origin: germline.
Comment: For these reasons, this variant has been classified as Pathogenic. Algorithms developed to predict the effect of missense changes on protein structure and function are either unavailable or do not agree on the potential impact of this missense change (SIFT: "Deleterious"; PolyPhen-2: "Probably Damaging"; Align-GVGD: "Class C0"). This missense change has been observed in individual(s) with hypophosphatemic rickets (PMID: 25237965, 32772199). It has also been observed to segregate with disease in related individuals. This variant is not present in population databases (gnomAD no frequency). This sequence change replaces isoleucine, which is neutral and non-polar, with threonine, which is neutral and polar, at codon 548 of the PHEX protein (p.Ile548Thr).

Literature cited by the submitters: PubMed 25237965; PubMed 32772199.

NM_000444.6(PHEX):c.1643T>C (p.Ile548Thr)

Gene: PHEX (phosphate regulating endopeptidase X-linked; plus strand). Cytogenetic location: Xp22.11.
Variant type: single nucleotide variant.
Coding change: c.1643T>C on transcript NM_000444.6 (MANE Select); coding-DNA position 1643, T replaced by C.
Protein change: p.Ile548Thr; replaces isoleucine 548 with threonine.
Molecular consequence: missense variant.
Genome position (GRCh38, 1-based): chrX:22,190,500, T>C. VCF-style: chrX-22190500-T-C. GRCh37 (hg19) VCF-style: chrX-22208617-T-C.
Other names: c.1643T>C, p.Ile548Thr (NM_001282754.2); short protein forms I548T.
Identifiers: ClinVar variation 2138492 (VCV002138492.4), dbSNP rs2518621881, ClinGen allele CA412575148.
Genomic context (GRCh38, chrX:22,190,500, plus strand): 5'-ACAGGTGGTTTACAAATCCGACGACTGTCAATGCCTTCTACAGTGCATCCACCAACCAGA[T>C]CCGTGAGTACGGGTTCCTTGTCTCCTTGGTAACCTGGTATAAAATGCAAAGAACTTTTCC-3'
Protein context (NP_000435.3, residues 538-558): NAFYSASTNQ[Ile548Thr]RFPAGELQKP